The following is an entry in ClinVar:

NM_001164508.2(NEB):c.10005G>A (p.Met3335Ile)

Gene: NEB (nebulin; minus strand). Cytogenetic location: 2q23.3.
Variant type: single nucleotide variant.
Coding change: c.10005G>A on transcript NM_001164508.2 (MANE Select); coding-DNA position 10005, G replaced by A.
Protein change: p.Met3335Ile; replaces methionine 3335 with isoleucine.
Molecular consequence: missense variant.
Genome position (GRCh38, 1-based): chr2:151,627,661, C>T on the plus strand (G>A on the coding strand, the complement: NEB is on the minus strand). VCF-style: chr2-151627661-C-T. GRCh37 (hg19) VCF-style: chr2-152484175-C-T.
Other names: c.10005G>A, p.Met3335Ile (NM_001164507.2, NM_001271208.2); c.9276G>A, p.Met3092Ile (NM_004543.5); c.9276G>A (NM_004543.4); short protein forms M3335I, M3092I.
Identifiers: ClinVar variation 966670 (VCV000966670.14), dbSNP rs375830667, ClinGen allele CA1909147.

ClinVar aggregate classification (germline): Uncertain significance. Review status: criteria provided, multiple submitters, no conflicts (2 of 4 stars). 5 submissions from 5 submitters: Uncertain significance (4). 1 of the submissions does not count toward it. Last evaluated 2025-11-26.

Conditions:
Inborn genetic diseases. Identifiers: MedGen C0950123, MeSH D030342.
Nemaline myopathy 2 (NEM2). Also called: Nemaline myopathy 2, autosomal recessive. Identifiers: MedGen C1850569, MONDO:0009725, OMIM 256030.

Allele frequency attached by ClinVar (database versions not stated): TOPMed 0.00007; ESP Exome Variant Server 0.00008; gnomAD exomes 0.00001 and 0.00006; ExAC 0.00004; gnomAD 0.00007.
gnomAD v4.1: 31 of 1,613,882 alleles (0.0019%); highest among the groups gnomAD compares: Admixed American, 0.017%; no homozygotes.

Submissions (5):

Ambry Genetics
Classification: Uncertain significance for Inborn genetic diseases. Last evaluated: 2025-11-26. Review status: criteria provided, single submitter. Criteria: Ambry Variant Classification Scheme 2023. Collection method: clinical testing. Allele origin: germline.

Labcorp Genetics (formerly Invitae), Labcorp
Classification: Uncertain significance for Nemaline myopathy 2. Last evaluated: 2022-06-27. Review status: criteria provided, single submitter. Criteria: Invitae Variant Classification Sherloc (09022015). Collection method: clinical testing. Allele origin: germline.
Comment: This sequence change replaces methionine, which is neutral and non-polar, with isoleucine, which is neutral and non-polar, at codon 3335 of the NEB protein (p.Met3335Ile). This variant is present in population databases (rs375830667, gnomAD 0.01%). This variant has not been reported in the literature in individuals affected with NEB-related conditions. ClinVar contains an entry for this variant (Variation ID: 966670). Algorithms developed to predict the effect of missense changes on protein structure and function are either unavailable or do not agree on the potential impact of this missense change (SIFT: "Deleterious"; PolyPhen-2: "Not Available"; Align-GVGD: "Class C0"). In summary, the available evidence is currently insufficient to determine the role of this variant in disease. Therefore, it has been classified as a Variant of Uncertain Significance.

Revvity Omics, Revvity
Classification: Uncertain significance. Last evaluated: 2020-11-20. Review status: criteria provided, single submitter. Criteria: ACMG Guidelines, 2015. Collection method: clinical testing. Allele origin: germline.

Blueprint Genetics
Classification: Uncertain significance. Last evaluated: 2020-09-03. Review status: criteria provided, single submitter. Criteria: ACMG Guidelines, 2015. Collection method: clinical testing. Allele origin: germline.

Natera, Inc.
Classification: Uncertain significance for Nemaline myopathy type 2. Last evaluated: 2020-03-11. Review status: no assertion criteria provided. Collection method: clinical testing. Allele origin: germline. Not counted in ClinVar's aggregate classification.